The following is an entry in ClinVar:

NM_052989.3(IFT122):c.1591G>A (p.Val531Met)

Gene: IFT122 (intraflagellar transport 122; plus strand). Cytogenetic location: 3q21.3.
Variant type: single nucleotide variant.
Coding change: c.1591G>A on transcript NM_052989.3 (MANE Select); coding-DNA position 1591, G replaced by A.
Protein change: p.Val531Met; replaces valine 531 with methionine.
Molecular consequence: missense variant.
Genome position (GRCh38, 1-based): chr3:129,481,632, G>A. VCF-style: chr3-129481632-G-A. GRCh37 (hg19) VCF-style: chr3-129200475-G-A.
Other names: c.1567G>A, p.Val523Met (NM_001280541.2); c.1141G>A, p.Val381Met (NM_001280545.2); c.964G>A, p.Val322Met (NM_001280546.2); c.1591G>A, p.Val531Met (NM_001410808.1, NM_001410809.1); c.1414G>A, p.Val472Met (NM_001410810.1, NM_001410811.1, NM_001410813.1 and 1 more transcripts); c.1258G>A, p.Val420Met (NM_001410815.1, NM_001410817.1, NM_052990.3); c.1744G>A, p.Val582Met (NM_052985.4); c.1744G>A (NM_052985.2); short protein forms V322M, V381M, V582M, V472M, V523M, V420M, V531M.
Identifiers: ClinVar variation 2039162 (VCV002039162.6), dbSNP rs779410469, ClinGen allele CA2606226.

ClinVar aggregate classification (germline): Uncertain significance. Review status: criteria provided, multiple submitters, no conflicts (2 of 4 stars). 4 submissions from 4 submitters: Uncertain significance (4). Last evaluated 2024-08-05.

Conditions:
Inborn genetic diseases. Identifiers: MedGen C0950123, MeSH D030342.
Cranioectodermal dysplasia 1 (CED1). Also called: LEVIN SYNDROME I. Identifiers: Orphanet 1515, MedGen C0432235, MONDO:0021093, OMIM 218330.

Allele frequency attached by ClinVar (database versions not stated): gnomAD 0.00001; TOPMed 0.00001; ExAC 0.00002.
gnomAD v4.1: 23 of 1,610,660 alleles (0.0014%); highest among the groups gnomAD compares: African/African-American, 0.0027%; no homozygotes.

Submissions (4):

Blueprint Genetics
Classification: Uncertain significance. Last evaluated: 2024-08-05. Review status: criteria provided, single submitter. Criteria: ACMG Guidelines, 2015. Collection method: clinical testing. Allele origin: germline.

Fulgent Genetics
Classification: Uncertain significance for Cranioectodermal dysplasia 1. Last evaluated: 2024-03-29. Review status: criteria provided, single submitter. Criteria: ACMG Guidelines, 2015. Collection method: clinical testing. Allele origin: germline.

Ambry Genetics
Classification: Uncertain significance for Inborn genetic diseases. Last evaluated: 2023-08-22. Review status: criteria provided, single submitter. Criteria: Ambry Variant Classification Scheme 2023. Collection method: clinical testing. Allele origin: germline.

Labcorp Genetics (formerly Invitae), Labcorp
Classification: Uncertain significance for Cranioectodermal dysplasia 1. Last evaluated: 2022-03-27. Review status: criteria provided, single submitter. Criteria: Invitae Variant Classification Sherloc (09022015). Collection method: clinical testing. Allele origin: germline.
Comment: In summary, the available evidence is currently insufficient to determine the role of this variant in disease. Therefore, it has been classified as a Variant of Uncertain Significance. Algorithms developed to predict the effect of missense changes on protein structure and function are either unavailable or do not agree on the potential impact of this missense change (SIFT: "Deleterious"; PolyPhen-2: "Probably Damaging"; Align-GVGD: "Class C0"). This variant has not been reported in the literature in individuals affected with IFT122-related conditions. This variant is present in population databases (rs779410469, gnomAD 0.003%). This sequence change replaces valine, which is neutral and non-polar, with methionine, which is neutral and non-polar, at codon 582 of the IFT122 protein (p.Val582Met).